The following is an entry in ClinVar:

NM_003722.5(TP63):c.1583C>T (p.Pro528Leu)

Gene: TP63 (tumor protein p63; plus strand). Cytogenetic location: 3q28.
Variant type: single nucleotide variant.
Coding change: c.1583C>T on transcript NM_003722.5 (MANE Select); coding-DNA position 1583, C replaced by T.
Protein change: p.Pro528Leu; replaces proline 528 with leucine.
Molecular consequence: missense variant. On other transcripts: intron variant (4).
Genome position (GRCh38, 1-based): chr3:189,889,415, C>T. VCF-style: chr3-189889415-C-T. GRCh37 (hg19) VCF-style: chr3-189607204-C-T.
Other names: c.1583C>T, p.Pro528Leu (NM_001114978.2); c.1301C>T, p.Pro434Leu (NM_001114980.2, NM_001114981.2); c.1046C>T, p.Pro349Leu (NM_001329146.2); c.1571C>T, p.Pro524Leu (NM_001329148.2); c.1577C>T, p.Pro526Leu (NM_001329964.2); c.1507+2864C>T (NM_001329144.2); c.1225+2864C>T (NM_001329145.2); c.1213+2864C>T (NM_001329149.2); and 1 more; short protein forms P528L, P349L, P524L, P434L, P526L.
Identifiers: ClinVar variation 2027398 (VCV002027398.4), dbSNP rs761041436, ClinGen allele CA2752521.

ClinVar aggregate classification (germline): Conflicting classifications of pathogenicity. Review status: criteria provided, conflicting classifications (1 of 4 stars). 2 submissions from 2 submitters: Uncertain significance (1); Likely benign (1). Last evaluated 2024-11-03.

Conditions:
TP63-Related Spectrum Disorders.

Allele frequency attached by ClinVar (database versions not stated): ExAC 0.00003.
gnomAD v4.1: 9 of 1,614,018 alleles (0.00056%); highest among the groups gnomAD compares: Admixed American, 0.005%; no homozygotes.

Submissions (2):

Labcorp Genetics (formerly Invitae), Labcorp
Classification: Uncertain significance. Last evaluated: 2024-11-03. Review status: criteria provided, single submitter. Criteria: Invitae Variant Classification Sherloc (09022015). Collection method: clinical testing. Allele origin: germline.
Comment: This sequence change replaces proline, which is neutral and non-polar, with leucine, which is neutral and non-polar, at codon 528 of the TP63 protein (p.Pro528Leu). This variant is present in population databases (rs761041436, gnomAD 0.009%). This variant has not been reported in the literature in individuals affected with TP63-related conditions. ClinVar contains an entry for this variant (Variation ID: 2027398). Invitae Evidence Modeling of protein sequence and biophysical properties (such as structural, functional, and spatial information, amino acid conservation, physicochemical variation, residue mobility, and thermodynamic stability) indicates that this missense variant is not expected to disrupt TP63 protein function with a negative predictive value of 80%. In summary, the available evidence is currently insufficient to determine the role of this variant in disease. Therefore, it has been classified as a Variant of Uncertain Significance.

Blueprint Genetics
Classification: Likely benign. Last evaluated: 2019-05-24. Review status: criteria provided, single submitter. Criteria: ACMG Guidelines, 2015. Collection method: clinical testing. Allele origin: germline.